The following is an entry in ClinVar:

ClinVar aggregate classification (germline): Uncertain significance (1 of 4 stars; one submission).

Conditions:
Landau-Kleffner syndrome (FESD). Also called: EPILEPSY, FOCAL, WITH SPEECH DISORDER AND WITH OR WITHOUT MENTAL RETARDATION; APHASIA, ACQUIRED, WITH EPILEPSY. Identifiers: Orphanet 1945, Orphanet 725, Orphanet 98818, MedGen C0282512, MONDO:0009509, OMIM 245570.

Submission:

Labcorp Genetics (formerly Invitae), Labcorp
Classification: Uncertain significance for Landau-Kleffner syndrome. Last evaluated: 2025-03-23. Review status: criteria provided, single submitter. Criteria: Invitae Variant Classification Sherloc (09022015). Collection method: clinical testing. Allele origin: germline.
Comment: This sequence change replaces tryptophan, which is neutral and slightly polar, with leucine, which is neutral and non-polar, at codon 634 of the GRIN2A protein (p.Trp634Leu). This variant is not present in population databases (gnomAD no frequency). This variant has not been reported in the literature in individuals affected with GRIN2A-related conditions. Invitae Evidence Modeling of protein sequence and biophysical properties (such as structural, functional, and spatial information, amino acid conservation, physicochemical variation, residue mobility, and thermodynamic stability) indicates that this missense variant is expected to disrupt GRIN2A protein function with a positive predictive value of 95%. In summary, the available evidence is currently insufficient to determine the role of this variant in disease. Therefore, it has been classified as a Variant of Uncertain Significance.

NM_001134407.3(GRIN2A):c.1901G>T (p.Trp634Leu)

Gene: GRIN2A (glutamate ionotropic receptor NMDA type subunit 2A; minus strand). Cytogenetic location: 16p13.2.
Variant type: single nucleotide variant.
Coding change: c.1901G>T on transcript NM_001134407.3 (MANE Select); coding-DNA position 1901, G replaced by T.
Protein change: p.Trp634Leu; replaces tryptophan 634 with leucine.
Molecular consequence: missense variant.
Genome position (GRCh38, 1-based): chr16:9,829,529, C>A on the plus strand (G>T on the coding strand, the complement: GRIN2A is on the minus strand). VCF-style: chr16-9829529-C-A. GRCh37 (hg19) VCF-style: chr16-9923386-C-A.
Other names: c.1901G>T, p.Trp634Leu (NM_000833.5, NM_001134408.2); short protein forms W634L.
Identifiers: ClinVar variation 4745842 (VCV004745842.1).